The following is an entry in ClinVar:

NM_020745.4(AARS2):c.1534G>C (p.Asp512His)

Gene: AARS2 (alanyl-tRNA synthetase 2, mitochondrial; minus strand). Cytogenetic location: 6p21.1.
Variant type: single nucleotide variant.
Coding change: c.1534G>C on transcript NM_020745.4 (MANE Select); coding-DNA position 1534, G replaced by C.
Protein change: p.Asp512His; replaces aspartic acid 512 with histidine.
Molecular consequence: missense variant.
Genome position (GRCh38, 1-based): chr6:44,305,099, C>G on the plus strand (G>C on the coding strand, the complement: AARS2 is on the minus strand). VCF-style: chr6-44305099-C-G. GRCh37 (hg19) VCF-style: chr6-44272836-C-G.
Other names: p.Asp512His; c.1534G>C (NM_020745.2); short protein forms D512H.
Identifiers: ClinVar variation 357070 (VCV000357070.55), dbSNP rs146512155, ClinGen allele CA3834307.

ClinVar aggregate classification (germline): Conflicting classifications of pathogenicity. Review status: criteria provided, conflicting classifications (1 of 4 stars). 6 submissions from 6 submitters: Likely pathogenic (1); Uncertain significance (5). Last evaluated 2026-09-25.

Conditions:
Combined oxidative phosphorylation defect type 8. Also called: CARDIOMYOPATHY, HYPERTROPHIC MITOCHONDRIAL, FATAL INFANTILE. Identifiers: Orphanet 319504, MedGen C4518839, MONDO:0013570, OMIM 614096.

Allele frequency attached by ClinVar (database versions not stated): ESP Exome Variant Server 0.00015; TOPMed 0.00022; gnomAD 0.00073.
gnomAD v4.1: 402 of 1,613,950 alleles (0.025%); highest among the groups gnomAD compares: Non-Finnish European, 0.029%; no homozygotes.

Submissions (6):

GeneDx
Classification: Uncertain significance. Last evaluated: 2026-09-25. Review status: criteria provided, single submitter. Criteria: GeneDx Variant Classification Process June 2021. Collection method: clinical testing. Allele origin: germline.
Comment: In silico analysis supports that this missense variant has a deleterious effect on protein structure/function; This variant is associated with the following publications: (PMID: 37953503)

CeGaT Center for Human Genetics Tuebingen
Classification: Uncertain significance. Last evaluated: 2026-06-01. Review status: criteria provided, single submitter. Criteria: CeGaT Center For Human Genetics Tuebingen Variant Classification Criteria Version 2. Collection method: clinical testing. Allele origin: germline. Affected: yes. Observed: 2 variant alleles.
Comment: AARS2: PM2, BP4

Mayo Clinic Laboratories, Mayo Clinic
Classification: Uncertain significance. Last evaluated: 2025-06-25. Review status: criteria provided, single submitter. Criteria: ACMG Guidelines, 2015. Collection method: clinical testing. Allele origin: germline. Observed: 1 variant allele.

Blueprint Genetics
Classification: Uncertain significance. Last evaluated: 2024-10-31. Review status: criteria provided, single submitter. Criteria: ACMG Guidelines, 2015. Collection method: clinical testing. Allele origin: germline.

Labcorp Genetics (formerly Invitae), Labcorp
Classification: Uncertain significance. Last evaluated: 2024-10-23. Review status: criteria provided, single submitter. Criteria: Invitae Variant Classification Sherloc (09022015). Collection method: clinical testing. Allele origin: germline.
Comment: This sequence change replaces aspartic acid, which is acidic and polar, with histidine, which is basic and polar, at codon 512 of the AARS2 protein (p.Asp512His). This variant is present in population databases (rs146512155, gnomAD 0.06%). This variant has not been reported in the literature in individuals affected with AARS2-related conditions. ClinVar contains an entry for this variant (Variation ID: 357070). Invitae Evidence Modeling of protein sequence and biophysical properties (such as structural, functional, and spatial information, amino acid conservation, physicochemical variation, residue mobility, and thermodynamic stability) has been performed for this missense variant. However, the output from this modeling did not meet the statistical confidence thresholds required to predict the impact of this variant on AARS2 protein function. In summary, the available evidence is currently insufficient to determine the role of this variant in disease. Therefore, it has been classified as a Variant of Uncertain Significance.

Institute of Human Genetics Munich, TUM University Hospital
Classification: Likely pathogenic for Combined oxidative phosphorylation defect type 8. Last evaluated: 2017-09-08. Review status: criteria provided, single submitter. Criteria: Classification criteria August 2017. Collection method: clinical testing. Allele origin: maternal. Inheritance: Autosomal recessive inheritance. Affected: yes. Observed: 1 compound heterozygote.